The following is an entry in ClinVar:

GRCh38/hg38 16q24.3(chr16:89331546-89428572)x1

Genes: ANKRD11 (ankyrin repeat domain 11; minus strand), LOC126862450 (BRD4-independent group 4 enhancer GRCh37_chr16:89427458-89428657; plus strand), LOC128462377 (ankyrin repeat domain 11 upstream open reading frame; minus strand), LOC130059800 (ATAC-STARR-seq lymphoblastoid silent region 7899; plus strand), LOC130059801 (ATAC-STARR-seq lymphoblastoid active region 11403; plus strand) and 8 more. Cytogenetic location: 16q24.3.
Variant type: copy number loss.
Change: copy number 1 (one copy instead of two) of chr16:89,331,546-89,428,572 (97.0 kb, GRCh38 coordinates, 1-based), cytogenetic band 16q24.3.
Identifiers: ClinVar variation 4886759 (VCV004886759.1).

ClinVar aggregate classification (germline): Uncertain significance (1 of 4 stars; one submission).

Conditions:
KBG syndrome (KBGS). Also called: ANKRD11-Related KBG Syndrome. Identifiers: Orphanet 2332, MedGen C0220687, MONDO:0007846, OMIM 148050.

Submission:

Umrani?ye Training and Research Hospital
Classification: Uncertain significance for KBG syndrome. Last evaluated: 2026-08-17. Review status: criteria provided, single submitter. Criteria: ACMG/ClinGen CNV Guidelines, 2019. Collection method: clinical testing. Allele origin: germline. Inheritance: Autosomal dominant inheritance. Affected: yes. Observed: 1 variant allele.
Comment: Intragenic deletion removing only the non-coding 5'UTR exon 2 of ANKRD11; no coding sequence is removed. Initially ascertained as likely pathogenic, and classified as a variant of uncertain significance following systematic ACMG/AMP re-analysis. Published deletions of non-coding 5' exons of ANKRD11 support a possible pathogenic role (PMID:36628575; PMID:40004465), but the evidence available for this deletion is insufficient for a definitive classification; inheritance was not determined.

Literature cited by the submitters: PubMed 36628575; PubMed 40004465; PubMed 42808190.